The following is an entry in ClinVar:

ClinVar aggregate classification (germline): Uncertain significance (1 of 4 stars; one submission).

Allele frequency attached by ClinVar (database versions not stated): ExAC 0.00001; TOPMed 0.00004; gnomAD 0.00007; ESP Exome Variant Server 0.00008.
gnomAD v4.1: 25 of 1,614,020 alleles (0.0015%); highest among the groups gnomAD compares: African/African-American, 0.012%; no homozygotes.

Submission:

Labcorp Genetics (formerly Invitae), Labcorp
Classification: Uncertain significance. Last evaluated: 2023-10-30. Review status: criteria provided, single submitter. Criteria: Invitae Variant Classification Sherloc (09022015). Collection method: clinical testing. Allele origin: germline.
Comment: This sequence change replaces alanine, which is neutral and non-polar, with threonine, which is neutral and polar, at codon 2366 of the VPS13D protein (p.Ala2366Thr). This variant is present in population databases (rs375877842, gnomAD 0.02%). This variant has not been reported in the literature in individuals affected with VPS13D-related conditions. Advanced modeling of protein sequence and biophysical properties (such as structural, functional, and spatial information, amino acid conservation, physicochemical variation, residue mobility, and thermodynamic stability) performed at Invitae indicates that this missense variant is not expected to disrupt VPS13D protein function with a negative predictive value of 80%. In summary, the available evidence is currently insufficient to determine the role of this variant in disease. Therefore, it has been classified as a Variant of Uncertain Significance.

NM_015378.4(VPS13D):c.7096G>A (p.Ala2366Thr)

Gene: VPS13D (vacuolar protein sorting 13 homolog D; plus strand). Cytogenetic location: 1p36.22.
Variant type: single nucleotide variant.
Coding change: c.7096G>A on transcript NM_015378.4 (MANE Select); coding-DNA position 7096, G replaced by A.
Protein change: p.Ala2366Thr; replaces alanine 2366 with threonine.
Molecular consequence: missense variant.
Genome position (GRCh38, 1-based): chr1:12,314,275, G>A. VCF-style: chr1-12314275-G-A. GRCh37 (hg19) VCF-style: chr1-12374332-G-A.
Other names: c.7096G>A, p.Ala2366Thr (NM_018156.4); short protein forms A2366T.
Identifiers: ClinVar variation 2720473 (VCV002720473.1), dbSNP rs375877842, ClinGen allele CA602752.